The following is an entry in ClinVar:

NM_000321.3(RB1):c.239_240del (p.Lys80fs)

Gene: RB1 (RB transcriptional corepressor 1; plus strand). Cytogenetic location: 13q14.2.
Variant type: Deletion.
Coding change: c.239_240del on transcript NM_000321.3 (MANE Select); coding-DNA positions 239 to 240, 2 bases deleted (AA; older notation c.239_240delAA).
Protein change: p.Lys80fs; shifts the reading frame from lysine 80.
Molecular consequence: frameshift variant.
Genome position (GRCh38, 1-based): chr13:48,307,381-48,307,382, AA deleted; deleting any 2 consecutive bases within chr13:48,307,380-48,307,382 gives the same sequence; the c. name uses the placement nearest the transcript's 3' end. VCF-style (leftmost placement, unchanged base first): chr13-48307379-GAA-G. GRCh37 (hg19) VCF-style: chr13-48881515-GAA-G.
Other names: c.239_240del, p.Lys80fs (NM_001407165.1, NM_001407166.1, NM_001407167.1); short protein forms K80fs.
Identifiers: ClinVar variation 4884459 (VCV004884459.1).
Genomic context (GRCh38, chr13:48,307,379, plus strand): 5'-ATTATGTCAGAAATTAAAGATACCAGATCATGTCAGAGAGAGAGCTTGGTTAACTTGGGA[GAA>G]AGTTTCATCTGTGGATGGAGTATTGGTAAGGATTTTCTTAAAACGTTTTGAAATTTTTTT-3'

ClinVar aggregate classification (germline): Likely pathogenic (1 of 4 stars; one submission).

Conditions:
Retinoblastoma (RB1). Also called: RETINOBLASTOMA, SOMATIC. Identifiers: Orphanet 790, MedGen C0035335, MeSH D012175, MONDO:0008380, OMIM 180200, HP:0009919. Disease mechanism: loss of function. Inheritance: Both sporadic and heritable forms are tested..

Submission:

Diller/Parad Lab, Dana-Farber/Harvard Cancer Center
Classification: Likely pathogenic for Retinoblastoma. Last evaluated: 2026-05-29. Review status: criteria provided, single submitter. Criteria: ACMG Guidelines, 2015. Collection method: research. Allele origin: germline. Affected: yes.
Comment: It has been classified as Likely Pathogenic using Richards et al (PMID:25741868) based on the following evidence codes: PM2, PVS1.